The following is an entry in ClinVar:

ClinVar aggregate classification (germline): Uncertain significance. Review status: criteria provided, multiple submitters, no conflicts (2 of 4 stars). 2 submissions from 2 submitters: Uncertain significance (2). Last evaluated 2023-06-03.

Conditions:
Spondyloenchondrodysplasia with immune dysregulation (SPENCDI). Also called: ROIFMAN IMMUNOSKELETAL SYNDROME; SPONDYLOENCHONDRODYSPLASIA WITH OR WITHOUT IMMUNE DYSREGULATION; COMBINED IMMUNODEFICIENCY WITH AUTOIMMUNITY AND SPONDYLOMETAPHYSEAL DYSPLASIA. Identifiers: Orphanet 1855, MedGen C1842763, MONDO:0011939, OMIM 607944.

Allele frequency attached by ClinVar (database versions not stated): gnomAD 0.00004; ExAC 0.00005; TOPMed 0.00005; gnomAD exomes 0.00006; ESP Exome Variant Server 0.00015; 1000 Genomes Project 0.00020; 1000 Genomes Project 30x 0.00031.

Submissions (2):

Labcorp Genetics (formerly Invitae), Labcorp
Classification: Uncertain significance for Spondyloenchondrodysplasia with immune dysregulation. Last evaluated: 2023-06-03. Review status: criteria provided, single submitter. Criteria: Invitae Variant Classification Sherloc (09022015). Collection method: clinical testing. Allele origin: germline.
Comment: This sequence change replaces arginine, which is basic and polar, with histidine, which is basic and polar, at codon 129 of the ACP5 protein (p.Arg129His). In summary, the available evidence is currently insufficient to determine the role of this variant in disease. Therefore, it has been classified as a Variant of Uncertain Significance. Advanced modeling of protein sequence and biophysical properties (such as structural, functional, and spatial information, amino acid conservation, physicochemical variation, residue mobility, and thermodynamic stability) has been performed at Invitae for this missense variant, however the output from this modeling did not meet the statistical confidence thresholds required to predict the impact of this variant on ACP5 protein function. ClinVar contains an entry for this variant (Variation ID: 464889). This variant has not been reported in the literature in individuals affected with ACP5-related conditions. This variant is present in population databases (rs199580546, gnomAD 0.01%).

Blueprint Genetics
Classification: Uncertain significance. Last evaluated: 2021-04-14. Review status: criteria provided, single submitter. Criteria: ACMG Guidelines, 2015. Collection method: clinical testing. Allele origin: germline.

NM_001611.5(ACP5):c.386G>A (p.Arg129His)

Gene: ACP5 (acid phosphatase 5, tartrate resistant; minus strand). Cytogenetic location: 19p13.2.
Variant type: single nucleotide variant.
Coding change: c.386G>A on transcript NM_001611.5 (MANE Select); coding-DNA position 386, G replaced by A.
Protein change: p.Arg129His; replaces arginine 129 with histidine.
Molecular consequence: missense variant.
Genome position (GRCh38, 1-based): chr19:11,576,719, C>T on the plus strand (G>A on the coding strand, the complement: ACP5 is on the minus strand). VCF-style: chr19-11576719-C-T. GRCh37 (hg19) VCF-style: chr19-11687534-C-T.
Other names: c.386G>A, p.Arg129His (NM_001111034.3, NM_001111035.3, NM_001111036.3 and 2 more transcripts); short protein forms R129H.
Identifiers: ClinVar variation 464889 (VCV000464889.6), dbSNP rs199580546, ClinGen allele CA9215438.